The following is an entry in ClinVar:

ClinVar aggregate classification (germline): Benign. Review status: criteria provided, multiple submitters, no conflicts (2 of 4 stars). 2 submissions from 2 submitters: Benign (2). Last evaluated 2018-01-13.

Conditions:
Idiopathic basal ganglia calcification 1 (PFBC1A). Also called: Familial Idiopathic Basal Ganglia Calcification 3; Primary Familial Brain Calcification; Cerebral calcification nonarteriosclerotic idiopathic adult-onset; Striopallidodentate calcinosis autosomal dominant adult-onset; Ferrocalcinosis, cerebrovascular; Fahr disease, familial (formerly). Identifiers: Orphanet 1980, MedGen C4551624, MONDO:0024538, OMIM 213600.

Allele frequency attached by ClinVar (database versions not stated): gnomAD 0.68776 and 0.68538; gnomAD exomes 0.56250; TOPMed 0.68688; 1000 Genomes Project 30x 0.69254; 1000 Genomes Project 0.69369.
gnomAD v4.1: 103,858 of 151,716 alleles (68%); highest among the groups gnomAD compares: African/African-American, 84%; 36,407 homozygotes.

Submissions (6):

Illumina Laboratory Services, Illumina
Classification: Benign for Idiopathic basal ganglia calcification 1. Last evaluated: 2018-01-13. Review status: criteria provided, single submitter. Criteria: ICSL Variant Classification Criteria 13 December 2019. Collection method: clinical testing. Allele origin: germline.
Comment: This variant was observed in the ICSL laboratory as part of a predisposition screen in an ostensibly healthy population. It had not been previously curated by ICSL or reported in the Human Gene Mutation Database (HGMD: prior to June 1st, 2018), and was therefore a candidate for classification through an automated scoring system. Utilizing variant allele frequency, disease prevalence and penetrance estimates, and inheritance mode, an automated score was calculated to assess if this variant is too frequent to cause the disease. Based on the score and internal cut-off values, a variant classified as benign is not then subjected to further curation. The score for this variant resulted in a classification of benign for this disease.

Breakthrough Genomics
Classification: Benign. Review status: criteria provided, single submitter. Criteria: ACMG Guidelines, 2015. Collection method: not provided. Allele origin: germline. Inheritance: Unknown mechanism. Affected: yes.

Dr. Peter K. Rogan Lab, Western University
No classification provided (evidence only). Condition: Acute myeloid leukemia. Review status: no classification provided. Collection method: in vitro. Allele origin: not applicable. Functional consequence: retained intron. Not counted in ClinVar's aggregate classification.

Dr. Peter K. Rogan Lab, Western University
No classification provided (evidence only). Condition: Gastric cancer. Review status: no classification provided. Collection method: in vitro. Allele origin: not applicable. Functional consequence: retained intron. Not counted in ClinVar's aggregate classification.

Dr. Peter K. Rogan Lab, Western University
No classification provided (evidence only). Condition: Gastric cancer. Review status: no classification provided. Collection method: in vitro. Allele origin: not applicable. Functional consequence: retained intron. Not counted in ClinVar's aggregate classification.

Dr. Peter K. Rogan Lab, Western University
No classification provided (evidence only). Condition: Gastric cancer. Review status: no classification provided. Collection method: in vitro. Allele origin: not applicable. Functional consequence: retained intron. Not counted in ClinVar's aggregate classification.

NM_006749.5(SLC20A2):c.-305G>A

Genes: SLC20A2 (solute carrier family 20 member 2; minus strand), SMIM19 (small integral membrane protein 19; plus strand), LOC130000303 (ATAC-STARR-seq lymphoblastoid silent region 19157; plus strand). Cytogenetic location: 8p11.21.
Variant type: single nucleotide variant.
Coding change: c.-305G>A on transcript NM_006749.5; 305 bases upstream of the start codon, G replaced by A.
Molecular consequence: 5 prime UTR variant. On other transcripts: intron variant (2).
Genome position (GRCh38, 1-based): chr8:42,541,861, C>T on the plus strand (G>A on the coding strand, the complement: SLC20A2 is on the minus strand). VCF-style: chr8-42541861-C-T. GRCh37 (hg19) VCF-style: chr8-42397004-C-T.
Other names: NC_000008.10:g.42397004C>T; c.-517C>T (NM_001135674.2); c.-299C>T (NM_001135675.2); c.-588C>T (NM_001363186.2); c.-5+662C>T (NM_001135676.2); c.-5+156C>T (NM_138436.4).
Identifiers: ClinVar variation 363099 (VCV000363099.9), dbSNP rs2923444, ClinGen allele CA10625496.